The following is an entry in ClinVar:

ClinVar aggregate classification (germline): Likely benign (0 of 4 stars; one submission).

Conditions:
TCN2-related disorder. Also called: TCN2-related condition.

Allele frequency attached by ClinVar (database versions not stated): gnomAD 0.00001; gnomAD exomes 0.00001; ExAC 0.00002.

Submission:

PreventionGenetics, part of Exact Sciences
Classification: Likely benign for TCN2-related condition. Last evaluated: 2024-01-22. Review status: no assertion criteria provided. Collection method: clinical testing. Allele origin: germline.
Comment: This variant is classified as likely benign based on ACMG/AMP sequence variant interpretation guidelines (Richards et al. 2015 PMID: 25741868, with internal and published modifications).

NM_000355.4(TCN2):c.*5_*6dup

Gene: TCN2 (transcobalamin 2; plus strand). Cytogenetic location: 22q12.2.
Variant type: Duplication.
Coding change: c.*5_*6dup on transcript NM_000355.4 (MANE Select); 5 bases downstream of the stop codon through 6 bases downstream of the stop codon, 2 bases duplicated (TG; older notation c.*5_*6dupTG).
Molecular consequence: 3 prime UTR variant.
Genome position (GRCh38, 1-based): chr22:30,626,526-30,626,527, TG duplicated. VCF-style (leftmost placement, unchanged base first): chr22-30626525-C-CTG. GRCh37 (hg19) VCF-style: chr22-31022512-C-CTG.
Other names: c.*5_*6dup (NM_001184726.2).
Identifiers: ClinVar variation 3030609 (VCV003030609.2), dbSNP rs762921572, ClinGen allele CA10185077.